The following is an entry in ClinVar:

ClinVar aggregate classification (germline): Uncertain significance (1 of 4 stars; one submission).

Conditions:
3-methylglutaconic aciduria, type VIIB (MGCA7B). Also called: CLPB Deficiency; 3-methylglutaconic aciduria with cataracts, neurologic involvement and neutropenia; 3-methylglutaconic aciduria, type VII, with cataracts, neurologic involvement and neutropenia. Identifiers: Orphanet 445038, MedGen C5676893, MONDO:0014561, OMIM 616271.

gnomAD v4.1: 19 of 1,613,430 alleles (0.0012%); highest among the groups gnomAD compares: Non-Finnish European, 0.0014%; no homozygotes.

Submission:

Labcorp Genetics (formerly Invitae), Labcorp
Classification: Uncertain significance for 3-methylglutaconic aciduria, type VIIB. Last evaluated: 2025-03-26. Review status: criteria provided, single submitter. Criteria: Invitae Variant Classification Sherloc (09022015). Collection method: clinical testing. Allele origin: germline.
Comment: This sequence change replaces leucine, which is neutral and non-polar, with phenylalanine, which is neutral and non-polar, at codon 98 of the CLPB protein (p.Leu98Phe). This variant is present in population databases (rs759909627, gnomAD 0.005%). This variant has not been reported in the literature in individuals affected with CLPB-related conditions. An algorithm developed to predict the effect of missense changes on protein structure and function outputs the following: PolyPhen-2: "Benign". The phenylalanine amino acid residue is found in multiple mammalian species, which suggests that this missense change does not adversely affect protein function. In summary, the available evidence is currently insufficient to determine the role of this variant in disease. Therefore, it has been classified as a Variant of Uncertain Significance.

NM_001258392.3(CLPB):c.292C>T (p.Leu98Phe)

Genes: CLPB (ClpB family mitochondrial disaggregase; minus strand), LOC130006336 (ATAC-STARR-seq lymphoblastoid active region 5191; plus strand). Cytogenetic location: 11q13.4.
Variant type: single nucleotide variant.
Coding change: c.292C>T on transcript NM_001258392.3 (MANE Select); coding-DNA position 292, C replaced by T.
Protein change: p.Leu98Phe; replaces leucine 98 with phenylalanine.
Molecular consequence: missense variant.
Genome position (GRCh38, 1-based): chr11:72,434,183, G>A on the plus strand (C>T on the coding strand, the complement: CLPB is on the minus strand). VCF-style: chr11-72434183-G-A. GRCh37 (hg19) VCF-style: chr11-72145227-G-A.
Other names: c.292C>T, p.Leu98Phe (NM_001258393.3, NM_030813.6); c.50C>T, p.Thr17Ile (NM_001258394.3); short protein forms L98F, T17I.
Identifiers: ClinVar variation 4754809 (VCV004754809.1).
Genomic context (GRCh38, chr11:72,434,183, plus strand): 5'-GGGCGCACATGCCCAGTCCGGCCCTGCTGGGGACCCCGTTCCAGCTGTCCTGTCCTGGGA[G>A]TGTTTCTTCGGGACCAGGAAGGCGTCCCCAAGTGGCAGCCGCGAGGCATTTGGTATCGAA-3'
Protein context (NP_001245321.1, residues 88-108): WGRLPGPEET[Leu98Phe]PGQDSWNGVP